The following is an entry in ClinVar:

NM_000090.4(COL3A1):c.1046C>A (p.Ala349Asp)

Gene: COL3A1 (collagen type III alpha 1 chain; plus strand). Cytogenetic location: 2q32.2.
Variant type: single nucleotide variant.
Coding change: c.1046C>A on transcript NM_000090.4 (MANE Select); coding-DNA position 1046, C replaced by A.
Protein change: p.Ala349Asp; replaces alanine 349 with aspartic acid.
Molecular consequence: missense variant.
Genome position (GRCh38, 1-based): chr2:188,992,936, C>A. VCF-style: chr2-188992936-C-A. GRCh37 (hg19) VCF-style: chr2-189857662-C-A.
Other names: short protein forms A349D.
Identifiers: ClinVar variation 4687805 (VCV004687805.1).

ClinVar aggregate classification (germline): Uncertain significance (1 of 4 stars; one submission).

gnomAD v4.1: 2 of 1,613,748 alleles (0.00012%); highest among the groups gnomAD compares: Non-Finnish European, 0.00017%; no homozygotes.

Submission:

Women's Health and Genetics/Laboratory Corporation of America, LabCorp
Classification: Uncertain significance. Last evaluated: 2025-10-23. Review status: criteria provided, single submitter. Criteria: LabCorp Variant Classification Summary - May 2015. Collection method: clinical testing. Allele origin: germline.
Comment: Variant summary: COL3A1 c.1046C>A (p.Ala349Asp) results in a non-conservative amino acid change in the encoded protein sequence. Algorithms developed to predict the effect of missense changes on protein structure and function are either unavailable or do not agree on the potential impact of this missense change. The variant was absent in 251392 control chromosomes. The available data on variant occurrences in the general population are insufficient to allow any conclusion about variant significance. To our knowledge, no occurrence of c.1046C>A in individuals affected with COL3A1-related conditions and no experimental evidence demonstrating its impact on protein function have been reported. No submitters have cited clinical-significance assessments for this variant to ClinVar. Based on the evidence outlined above, the variant was classified as uncertain significance.